The following is an entry in ClinVar:

NM_000038.6(APC):c.4145del (p.Leu1382fs)

Gene: APC (APC regulator of Wnt signaling pathway; plus strand). Cytogenetic location: 5q22.2.
Variant type: Deletion.
Coding change: c.4145del on transcript NM_000038.6 (MANE Select); coding-DNA position 4145, one base deleted (T; older notation c.4145delT).
Protein change: p.Leu1382fs; shifts the reading frame from leucine 1382.
Molecular consequence: frameshift variant.
Genome position (GRCh38, 1-based): chr5:112,839,739, T deleted. VCF-style (leftmost placement, unchanged base first): chr5-112839738-CT-C. GRCh37 (hg19) VCF-style: chr5-112175435-CT-C.
Other names: c.4145del, p.Leu1382fs (NM_001127510.3, NM_001354895.2); c.4091del, p.Leu1364fs (NM_001127511.3); c.4199del, p.Leu1400fs (NM_001354896.2); c.4175del, p.Leu1392fs (NM_001354897.2); c.4070del, p.Leu1357fs (NM_001354898.2); c.4061del, p.Leu1354fs (NM_001354899.2); c.4022del, p.Leu1341fs (NM_001354900.2); c.3968del, p.Leu1323fs (NM_001354901.2); and 5 more; short protein forms L1099fs, L1222fs, L1256fs, L1281fs, L1291fs, L1323fs, L1341fs, L1354fs.
Identifiers: ClinVar variation 1076099 (VCV001076099.11), dbSNP rs2149907596, ClinGen allele CA1139770396.

ClinVar aggregate classification (germline): Pathogenic/Likely pathogenic. Review status: criteria provided, multiple submitters, no conflicts (2 of 4 stars). 2 submissions from 2 submitters: Pathogenic (1); Likely pathogenic (1). Last evaluated 2022-09-28.

Conditions:
Familial adenomatous polyposis 1 (FAP1). Also called: FAMILIAL ADENOMATOUS POLYPOSIS 1, ATTENUATED; POLYPOSIS, ADENOMATOUS INTESTINAL. Identifiers: MedGen C2713442, MONDO:0021056, OMIM 175100. Disease mechanism: loss of function.

Submissions (2):

Baylor Genetics
Classification: Likely pathogenic for Familial adenomatous polyposis 1. Last evaluated: 2022-09-28. Review status: criteria provided, single submitter. Criteria: ACMG Guidelines, 2015. Collection method: clinical testing. Allele origin: unknown.

Labcorp Genetics (formerly Invitae), Labcorp
Classification: Pathogenic for Familial adenomatous polyposis 1. Last evaluated: 2020-04-13. Review status: criteria provided, single submitter. Criteria: Invitae Variant Classification Sherloc (09022015). Collection method: clinical testing. Allele origin: germline.
Comment: This variant is expected to disrupt the EB1 and HDLG binding sites, which mediate interactions with the cytoskeleton (PMID: 15311282, 17293347). While functional studies have not been performed to directly test the effect on APC protein function, this suggests that disruption of the C-terminal portion of the protein is functionally important. A different truncation (p.Tyr2645Lysfs*14) that lies downstream of this variant has been determined to be pathogenic (PMID: 9824584, 1316610, 27081525, 8381579, 22135120, Invitae). This suggests that deletion of this region of the APC protein is causative of disease. For these reasons, this variant has been classified as Pathogenic. This variant has not been reported in the literature in individuals with APC-related conditions. This variant is not present in population databases (ExAC no frequency). This sequence change results in a premature translational stop signal in the APC gene (p.Leu1382Profs*33). While this is not anticipated to result in nonsense mediated decay, it is expected to disrupt the last 1462 amino acids of the APC protein.

Literature cited by the submitters: PubMed 15311282 (cited by Labcorp Genetics (formerly Invitae), Labcorp); PubMed 17293347 (cited by Labcorp Genetics (formerly Invitae), Labcorp); PubMed 9824584 (cited by Labcorp Genetics (formerly Invitae), Labcorp); PubMed 1316610 (cited by Labcorp Genetics (formerly Invitae), Labcorp); PubMed 27081525 (cited by Labcorp Genetics (formerly Invitae), Labcorp); PubMed 8381579 (cited by Labcorp Genetics (formerly Invitae), Labcorp); PubMed 22135120 (cited by Labcorp Genetics (formerly Invitae), Labcorp).